The following is an entry in ClinVar:

NM_000090.4(COL3A1):c.4008dup (p.Gln1337fs)

Gene: COL3A1 (collagen type III alpha 1 chain; plus strand). Cytogenetic location: 2q32.2.
Variant type: Duplication.
Coding change: c.4008dup on transcript NM_000090.4 (MANE Select); coding-DNA position 4008, one base duplicated (T; older notation c.4008dupT).
Protein change: p.Gln1337fs; shifts the reading frame from glutamine 1337.
Molecular consequence: frameshift variant.
Genome position (GRCh38, 1-based): chr2:189,010,362, T duplicated; the last of 4 consecutive T bases (chr2:189,010,359-189,010,362); duplicating any one gives the same sequence. VCF-style (leftmost placement, unchanged base first): chr2-189010358-G-GT. GRCh37 (hg19) VCF-style: chr2-189875084-G-GT.
Other names: short protein forms Q1337fs.
Identifiers: ClinVar variation 2848663 (VCV002848663.3), dbSNP rs2469169298, ClinGen allele CA2739278498.
Genomic context (GRCh38, chr2:189,010,358, plus strand): 5'-GGTGGACAGATTCTAGTGCTGAGAAGAAACACGTTTGGTTTGGAGAGTCCATGGATGGTG[G>GT]TTTTCAGGTAGGAAAGGATATACCTTTTTTTAAATAAGTCACCTCTATATCCTTTGTATT-3'

ClinVar aggregate classification (germline): Pathogenic (1 of 4 stars; one submission).

Conditions:
Ehlers-Danlos syndrome, type 4 (EDSVASC). Also called: Ehlers-Danlos syndrome vascular type; Ehlers Danlos syndrome, ecchymotic type; Ehlers Danlos syndrome, arterial type; Ehlers Danlos syndrome, Sack-Barabas type; Ehlers-Danlos Syndrome Type IV. Identifiers: Orphanet 286, MedGen C0268338, MONDO:0017314, OMIM 130050.

Submission:

Labcorp Genetics (formerly Invitae), Labcorp
Classification: Pathogenic for Ehlers-Danlos syndrome, type 4. Last evaluated: 2023-08-16. Review status: criteria provided, single submitter. Criteria: Invitae Variant Classification Sherloc (09022015). Collection method: clinical testing. Allele origin: germline.
Comment: This sequence change creates a premature translational stop signal (p.Gln1337Serfs*3) in the COL3A1 gene. It is expected to result in an absent or disrupted protein product. Loss-of-function variants in COL3A1 are known to be pathogenic (PMID: 24922459). For these reasons, this variant has been classified as Pathogenic. This variant has not been reported in the literature in individuals affected with COL3A1-related conditions. This variant is not present in population databases (gnomAD no frequency).

Literature cited by the submitters: PubMed 24922459.